The following is an entry in ClinVar:

ClinVar aggregate classification (germline): Pathogenic. Review status: criteria provided, multiple submitters, no conflicts (2 of 4 stars). 3 submissions from 3 submitters: Pathogenic (2). 1 of the submissions does not count toward it. Last evaluated 2025-09-14.

Conditions:
Cockayne syndrome. Identifiers: Orphanet 191, MedGen C0009207, MONDO:0016006.
Cockayne syndrome type 1. Also called: Cockayne syndrome type I; Cockayne syndrome classical; Cockayne syndrome classic form. Identifiers: Orphanet 191, Orphanet 90321, MedGen C0751039, MONDO:0019569, OMIM 216400.

gnomAD v4.1: 8 of 1,613,418 alleles (0.0005%); highest among the groups gnomAD compares: Middle Eastern, 0.083%; no homozygotes.

Submissions (3):

Labcorp Genetics (formerly Invitae), Labcorp
Classification: Pathogenic. Last evaluated: 2025-09-14. Review status: criteria provided, single submitter. Criteria: Invitae Variant Classification Sherloc (09022015). Collection method: clinical testing. Allele origin: germline.
Comment: This sequence change creates a premature translational stop signal (p.Tyr322*) in the ERCC8 gene. It is expected to result in an absent or disrupted protein product. Loss-of-function variants in ERCC8 are known to be pathogenic (PMID: 29572252). This variant is not present in population databases (gnomAD no frequency). This premature translational stop signal has been observed in individuals with Cockayne syndrome (PMID: 7664335, 19894250, 29572252, 30200888). It is commonly reported in individuals of Israeli Arab Christians ancestry (PMID: 21108394, 29572252). ClinVar contains an entry for this variant (Variation ID: 1715). For these reasons, this variant has been classified as Pathogenic.

Women's Health and Genetics/Laboratory Corporation of America, LabCorp
Classification: Pathogenic for Cockayne syndrome. Last evaluated: 2023-08-30. Review status: criteria provided, single submitter. Criteria: LabCorp Variant Classification Summary - May 2015. Collection method: clinical testing. Allele origin: germline.
Comment: Variant summary: ERCC8 c.966C>A (p.Tyr322X) results in a premature termination codon, predicted to cause a truncation of the encoded protein or absence of the protein due to nonsense mediated decay, which are commonly known mechanisms for disease. The variant was absent in 251116 control chromosomes (gnomAD). c.966C>A has been reported in the literature in multiple individuals affected with Cockayne Syndrome (e.g., Khayat_2010). These data indicate that the variant is very likely to be associated with disease. The following publication was ascertained in the context of this evaluation (PMID: 21108394). One submitter has reported clinical-significance assessments for this variant to ClinVar after 2014 and has classified the variant as pathogenic. Based on the evidence outlined above, the variant was classified as pathogenic.

OMIM
Classification: Pathogenic for COCKAYNE SYNDROME A. Last evaluated: 2010-12-01. Review status: no assertion criteria provided. Collection method: literature only. Allele origin: unknown. Not counted in ClinVar's aggregate classification.

Literature cited by the submitters: PubMed 29572252 (cited by Labcorp Genetics (formerly Invitae), Labcorp); PubMed 7664335 (cited by Labcorp Genetics (formerly Invitae), Labcorp and OMIM); PubMed 19894250 (cited by Labcorp Genetics (formerly Invitae), Labcorp); PubMed 30200888 (cited by Labcorp Genetics (formerly Invitae), Labcorp); PubMed 21108394 (cited by 3 submitters); PubMed 9338586 (cited by OMIM).

NM_000082.4(ERCC8):c.966C>A (p.Tyr322Ter)

Gene: ERCC8 (ERCC excision repair 8, CSA ubiquitin ligase complex subunit; minus strand). Cytogenetic location: 5q12.1.
Variant type: single nucleotide variant.
Coding change: c.966C>A on transcript NM_000082.4 (MANE Select); coding-DNA position 966, C replaced by A.
Protein change: p.Tyr322Ter; replaces tyrosine 322 with a stop codon.
Molecular consequence: nonsense.
Genome position (GRCh38, 1-based): chr5:60,890,964, G>T on the plus strand (C>A on the coding strand, the complement: ERCC8 is on the minus strand). VCF-style: chr5-60890964-G-T. GRCh37 (hg19) VCF-style: chr5-60186791-G-T.
Other names: c.792C>A, p.Tyr264Ter (NM_001007233.3); c.507C>A, p.Tyr169Ter (NM_001290285.2); c.966C>A (NM_000082.3); short protein forms Y322*, Y264*, Y169*.
Identifiers: ClinVar variation 1715 (VCV000001715.10), dbSNP rs121434323, ClinGen allele CA251925.
Genomic context (GRCh38, chr5:60,890,964, plus strand): 5'-AAATACACAGCAGTCAACAGTTTTATAATGTCCCTTAAGCATAGTTATCTGTTCTCCTGA[G>T]TAAACTGTATAAACAGCAATGGTGCTACCATATGGTACAAAAACAAATTCTGAACTGCAG-3'